The following is an entry in ClinVar:

ClinVar aggregate classification (germline): Likely pathogenic (1 of 4 stars; one submission).

Conditions:
Congenital bile acid synthesis defect 1 (CBAS1). Also called: 3-BETA-HYDROXY-DELTA-5-C27-STEROID OXIDOREDUCTASE DEFICIENCY. Identifiers: Orphanet 79301, MedGen C1843116, MONDO:0011906, OMIM 607765.

Submission:

Neuberg Centre For Genomic Medicine, NCGM
Classification: Likely pathogenic for Congenital bile acid synthesis defect 1. Last evaluated: 2023-02-14. Review status: criteria provided, single submitter. Criteria: ACMG Guidelines, 2015. Collection method: clinical testing. Allele origin: germline. Inheritance: Autosomal recessive inheritance. Affected: yes.
Comment: The invariant splice donor c.431+2T>C in HSD3B7 gene has not been reported previously as a pathogenic variant nor as a benign variant, to our knowledge. The c.431+2T>C variant is novel (not in any individuals) in 1000 Genomes and gnomAD. This variant has not been reported to the ClinVar database. Loss of function variants have been previously reported to be disease causing. For these reasons, this variant has been classified as Likely Pathogenic.

NM_025193.4(HSD3B7):c.431+2T>C

Gene: HSD3B7 (hydroxy-delta-5-steroid dehydrogenase, 3 beta- and steroid delta-isomerase 7; plus strand). Cytogenetic location: 16p11.2.
Variant type: single nucleotide variant.
Coding change: c.431+2T>C on transcript NM_025193.4 (MANE Select); the canonical splice donor site of the intron after coding-DNA position 431, T replaced by C.
Molecular consequence: splice donor variant.
Genome position (GRCh38, 1-based): chr16:30,986,533, T>C. VCF-style: chr16-30986533-T-C. GRCh37 (hg19) VCF-style: chr16-30997854-T-C.
Other names: c.431+2T>C (NM_001142777.2, NM_001142778.2).
Identifiers: ClinVar variation 2671755 (VCV002671755.1), dbSNP rs2543933911, ClinGen allele CA395640406.